The following is an entry in ClinVar:

ClinVar aggregate classification (germline): Uncertain significance (1 of 4 stars; one submission).

Conditions:
Epidermolysis bullosa simplex 5B, with muscular dystrophy (EBS5B). Also called: EPIDERMOLYSIS BULLOSA SIMPLEX AND LIMB-GIRDLE MUSCULAR DYSTROPHY; Epidermolysis bullosa simplex with muscular dystrophy. Identifiers: Orphanet 257, MedGen C2931072, MONDO:0009181, OMIM 226670.
Epidermolysis bullosa simplex, Ogna type (EBS5A). Also called: EPIDERMOLYSIS BULLOSA SIMPLEX 5A, OGNA TYPE; Pidermolysis bullosa simplex 5A, Ogna type. Identifiers: Orphanet 79401, MedGen C0432317, MONDO:0007555, OMIM 131950.
Epidermolysis bullosa simplex 5C, with pyloric atresia (EBS5C). Also called: Epidermolysis bullosa simplex with pyloric atresia; PLEC-Related Epidermolysis Bullosa with Pyloric Atresia; PLEC1-Related Epidermolysis Bullosa with Pyloric Atresia. Identifiers: Orphanet 158684, MedGen C2677349, MONDO:0012807, OMIM 612138.
Autosomal recessive limb-girdle muscular dystrophy type 2Q (LGMDR17). Also called: MUSCULAR DYSTROPHY, LIMB-GIRDLE, AUTOSOMAL RECESSIVE 17. Identifiers: Orphanet 254361, MedGen C3150989, MONDO:0013390, OMIM 613723.
Epidermolysis bullosa simplex with nail dystrophy (EBS5D). Identifiers: MedGen C4225309, MONDO:0014661, OMIM 616487.

Allele frequency attached by ClinVar (database versions not stated): gnomAD 0.00001; TOPMed 0.00002; ExAC 0.00003; gnomAD exomes 0.00003.
gnomAD v4.1: 7 of 1,598,962 alleles (0.00044%); highest among the groups gnomAD compares: Admixed American, 0.0084%; no homozygotes.

Submission:

Labcorp Genetics (formerly Invitae), Labcorp
Classification: Uncertain significance for Autosomal recessive limb-girdle muscular dystrophy type 2Q; Epidermolysis bullosa simplex, Ogna type; Epidermolysis bullosa simplex with nail dystrophy; Epidermolysis bullosa simplex 5C, with pyloric atresia; Epidermolysis bullosa simplex 5B, with muscular dystrophy. Last evaluated: 2025-12-24. Review status: criteria provided, single submitter. Criteria: Invitae Variant Classification Sherloc (09022015). Collection method: clinical testing. Allele origin: germline.
Comment: This sequence change replaces threonine, which is neutral and polar, with proline, which is neutral and non-polar, at codon 3410 of the PLEC protein (p.Thr3410Pro). This variant is present in population databases (rs782748295, gnomAD 0.01%). This variant has not been reported in the literature in individuals affected with PLEC-related conditions. ClinVar contains an entry for this variant (Variation ID: 1019249). Invitae Evidence Modeling of protein sequence and biophysical properties (such as structural, functional, and spatial information, amino acid conservation, physicochemical variation, residue mobility, and thermodynamic stability) indicates that this missense variant is expected to disrupt PLEC protein function with a positive predictive value of 80%. In summary, the available evidence is currently insufficient to determine the role of this variant in disease. Therefore, it has been classified as a Variant of Uncertain Significance.

NM_201384.3(PLEC):c.10147A>C (p.Thr3383Pro)

Gene: PLEC (plectin; minus strand). Cytogenetic location: 8q24.3.
Variant type: single nucleotide variant.
Coding change: c.10147A>C on transcript NM_201384.3 (MANE Select); coding-DNA position 10147, A replaced by C.
Protein change: p.Thr3383Pro; replaces threonine 3383 with proline.
Molecular consequence: missense variant.
Genome position (GRCh38, 1-based): chr8:143,919,674, T>G on the plus strand (A>C on the coding strand, the complement: PLEC is on the minus strand). VCF-style: chr8-143919674-T-G. GRCh37 (hg19) VCF-style: chr8-144993842-T-G.
Other names: c.10228A>C, p.Thr3410Pro (NM_000445.5); c.10105A>C, p.Thr3369Pro (NM_201378.4); c.10081A>C, p.Thr3361Pro (NM_201379.3); c.10558A>C, p.Thr3520Pro (NM_201380.4); c.10051A>C, p.Thr3351Pro (NM_201381.3); c.10147A>C, p.Thr3383Pro (NM_201382.4); c.10159A>C, p.Thr3387Pro (NM_201383.3); short protein forms T3351P, T3361P, T3369P, T3383P, T3387P, T3410P, T3520P.
Identifiers: ClinVar variation 1019249 (VCV001019249.9), dbSNP rs782748295, ClinGen allele CA4924740.
Genomic context (GRCh38, chr8:143,919,674, plus strand): 5'-GCACGGGGTCCACCAGGAAGCCAGTGGCCGCCTGCGCCTCCAGCAGGAGCGCAGCCGTTG[T>G]GGCTCTCAGCAGGCCCCGGCGCATGGCCTCGTAGATGGACACCTTCTCCTTGGTGTCCTC-3'
Protein context (NP_958786.1, residues 3373-3393): EAMRRGLLRA[Thr3383Pro]TAALLLEAQA